The following is an entry in ClinVar:

ClinVar aggregate classification (germline): Uncertain significance. Review status: criteria provided, multiple submitters, no conflicts (2 of 4 stars). 2 submissions from 2 submitters: Uncertain significance (2). Last evaluated 2024-02-17.

Conditions:
Peroxisome biogenesis disorder, complementation group 7 (CG7). Also called: Peroxisome biogenesis disorder, complementation group B. Identifiers: MedGen C1864399.
Peroxisome biogenesis disorder 6A (Zellweger). Also called: Peroxisome biogenesis disorder 6A. Identifiers: Orphanet 912, MedGen C3553947, MONDO:0013936, OMIM 614870.

Allele frequency attached by ClinVar (database versions not stated): gnomAD exomes 0.00001.

Submissions (2):

Labcorp Genetics (formerly Invitae), Labcorp
Classification: Uncertain significance for Peroxisome biogenesis disorder, complementation group 7. Last evaluated: 2024-02-17. Review status: criteria provided, single submitter. Criteria: Invitae Variant Classification Sherloc (09022015). Collection method: clinical testing. Allele origin: germline.
Comment: This sequence change replaces lysine, which is basic and polar, with arginine, which is basic and polar, at codon 17 of the PEX10 protein (p.Lys17Arg). This variant is not present in population databases (gnomAD no frequency). This variant has not been reported in the literature in individuals affected with PEX10-related conditions. ClinVar contains an entry for this variant (Variation ID: 930457). An algorithm developed to predict the effect of missense changes on protein structure and function (PolyPhen-2) suggests that this variant is likely to be disruptive. In summary, the available evidence is currently insufficient to determine the role of this variant in disease. Therefore, it has been classified as a Variant of Uncertain Significance.

Centre for Mendelian Genomics, University Medical Centre Ljubljana
Classification: Uncertain significance for Peroxisome biogenesis disorder 6A (Zellweger). Last evaluated: 2019-04-25. Review status: criteria provided, single submitter. Criteria: ACMG Guidelines, 2015. Collection method: clinical testing. Allele origin: unknown. Affected: yes.
Comment: This variant was classified as: Uncertain significance. The available evidence on this variant's pathogenicity is insufficient or conflicting. The following ACMG criteria were applied in classifying this variant: PM2,PP3.

NM_002617.4(PEX10):c.50A>G (p.Lys17Arg)

Gene: PEX10 (peroxisomal biogenesis factor 10; minus strand). Cytogenetic location: 1p36.32.
Variant type: single nucleotide variant.
Coding change: c.50A>G on transcript NM_002617.4 (MANE Select); coding-DNA position 50, A replaced by G.
Protein change: p.Lys17Arg; replaces lysine 17 with arginine.
Molecular consequence: missense variant. On other transcripts: intron variant (2).
Genome position (GRCh38, 1-based): chr1:2,412,453, T>C on the plus strand (A>G on the coding strand, the complement: PEX10 is on the minus strand). VCF-style: chr1-2412453-T-C. GRCh37 (hg19) VCF-style: chr1-2343892-T-C.
Other names: c.-321+1144A>G (NM_001374426.1, NM_001374427.1); c.50A>G, p.Lys17Arg (NM_001374425.1, NM_153818.2); short protein forms K17R.
Identifiers: ClinVar variation 930457 (VCV000930457.8), dbSNP rs1643273662, ClinGen allele CA337990591.
Genomic context (GRCh38, chr1:2,412,453, plus strand): 5'-GCCAGGCTGTGCAGGGCGCCGCCCGCCGCGCTCCGCAGCCCACCGCGGTAGTACTCGTCC[T>C]TCTGCGCCGCGCGGATCACCTCCGGGGGGCTGGCGGCGGCCGGGGCCATGGCCGCGGGTT-3'
Protein context (NP_002608.1, residues 7-27): SPPEVIRAAQ[Lys17Arg]DEYYRGGLRS